The following is an entry in ClinVar:

NM_007294.4(BRCA1):c.1124del (p.Leu375fs)

Gene: BRCA1 (BRCA1 DNA repair associated; minus strand). Cytogenetic location: 17q21.31.
Variant type: Deletion.
Coding change: c.1124del on transcript NM_007294.4 (MANE Select); coding-DNA position 1124, one base deleted (T; older notation c.1124delT).
Protein change: p.Leu375fs; shifts the reading frame from leucine 375.
Molecular consequence: frameshift variant. On other transcripts: intron variant (137).
Genome position (GRCh38, 1-based): chr17:43,094,407, A deleted on the plus strand (T on the coding strand, the reverse complement: BRCA1 is on the minus strand). VCF-style (leftmost placement, unchanged base first): chr17-43094406-TA-T. GRCh37 (hg19) VCF-style: chr17-41246423-TA-T.
Other names: c.1124del, p.Leu375fs (NM_001407582.1, NM_001407583.1, NM_001407585.1 and 30 more transcripts); c.1121del, p.Leu374fs (NM_001407587.1, NM_001407590.1, NM_001407591.1 and 22 more transcripts); c.1115del, p.Leu372fs (NM_001407646.1, NM_001407647.1); c.1001del, p.Leu334fs (NM_001407648.1, NM_001407664.1, NM_001407665.1 and 19 more transcripts); c.998del, p.Leu333fs (NM_001407649.1, NM_001407670.1, NM_001407671.1 and 11 more transcripts); c.1046del, p.Leu349fs (NM_001407653.1, NM_001407654.1, NM_001407655.1 and 4 more transcripts); c.1043del, p.Leu348fs (NM_001407659.1, NM_001407660.1, NM_001407661.1 and 1 more transcripts); c.983del, p.Leu328fs (NM_001407692.1, NM_001407694.1, NM_001407695.1 and 29 more transcripts); and 40 more; short protein forms L247fs, L307fs, L334fs, L263fs, L304fs, L349fs, L375fs, L248fs.
Identifiers: ClinVar variation 3481815 (VCV003481815.2).

ClinVar aggregate classification (germline): Pathogenic. Review status: criteria provided, multiple submitters, no conflicts (2 of 4 stars). 2 submissions from 2 submitters: Pathogenic (2). Last evaluated 2026-03-27.

Conditions:
Breast-ovarian cancer, familial, susceptibility to, 1 (BROVCA1). Also called: BRCA1 Hereditary Breast and Ovarian Cancer; OVARIAN CANCER, SUSCEPTIBILITY TO. Identifiers: Orphanet 145, MedGen C2676676, MONDO:0011450, OMIM 604370. Disease mechanism: loss of function.
Hereditary cancer-predisposing syndrome. Also called: Neoplastic Syndromes, Hereditary; Tumor predisposition; Hereditary Cancer Syndrome; Hereditary neoplastic syndrome. Identifiers: Orphanet 140162, MedGen C0027672, MeSH D009386, MONDO:0015356.

Submissions (2):

Myriad Genetics, Inc.
Classification: Pathogenic for Breast-ovarian cancer, familial, susceptibility to, 1. Last evaluated: 2026-03-27. Review status: criteria provided, single submitter. Criteria: Myriad Autosomal Dominant, Autosomal Recessive and X-Linked Classification Criteria (2023). Collection method: clinical testing. Allele origin: unknown.
Comment: This variant is considered pathogenic. This variant creates a frameshift predicted to result in premature protein truncation.

Ambry Genetics
Classification: Pathogenic for Hereditary cancer-predisposing syndrome. Last evaluated: 2024-07-01. Review status: criteria provided, single submitter. Criteria: Ambry Variant Classification Scheme 2023. Collection method: clinical testing. Allele origin: germline.
Comment: The c.1124delT pathogenic mutation, located in coding exon 9 of the BRCA1 gene, results from a deletion of one nucleotide at nucleotide position 1124, causing a translational frameshift with a predicted alternate stop codon (p.L375Qfs*19). This variant is considered to be rare based on population cohorts in the Genome Aggregation Database (gnomAD). This alteration is expected to result in loss of function by premature protein truncation or nonsense-mediated mRNA decay. As such, this alteration is interpreted as a disease-causing mutation.